The following is an entry in ClinVar:

ClinVar aggregate classification (germline): Likely benign (0 of 4 stars; one submission).

Conditions:
PTPRJ-related disorder. Also called: PTPRJ-related condition.

Allele frequency attached by ClinVar (database versions not stated): gnomAD exomes 0.00012; ExAC 0.00049; gnomAD 0.00134; ESP Exome Variant Server 0.00146; TOPMed 0.00151; 1000 Genomes Project 0.00180; 1000 Genomes Project 30x 0.00187.
gnomAD v4.1: 373 of 1,610,364 alleles (0.023%); highest among the groups gnomAD compares: African/African-American, 0.4%; 2 homozygotes.

Submission:

PreventionGenetics, part of Exact Sciences
Classification: Likely benign for PTPRJ-related condition. Last evaluated: 2019-11-06. Review status: no assertion criteria provided. Collection method: clinical testing. Allele origin: germline.
Comment: This variant is classified as likely benign based on ACMG/AMP sequence variant interpretation guidelines (Richards et al. 2015 PMID: 25741868, with internal and published modifications).

NM_002843.4(PTPRJ):c.3719+4C>T

Gene: PTPRJ (protein tyrosine phosphatase receptor type J; plus strand). Cytogenetic location: 11p11.2.
Variant type: single nucleotide variant.
Coding change: c.3719+4C>T on transcript NM_002843.4 (MANE Select); 4 bases into the intron after coding-DNA position 3719, C replaced by T.
Molecular consequence: intron variant.
Genome position (GRCh38, 1-based): chr11:48,163,622, C>T. VCF-style: chr11-48163622-C-T. GRCh37 (hg19) VCF-style: chr11-48185174-C-T.
Identifiers: ClinVar variation 3045838 (VCV003045838.2), dbSNP rs192553053, ClinGen allele CA5982830.